The following is an entry in ClinVar:

ClinVar aggregate classification (germline): Uncertain significance. Review status: criteria provided, multiple submitters, no conflicts (2 of 4 stars). 4 submissions from 4 submitters: Uncertain significance (4). Last evaluated 2023-06-23.

Conditions:
Cardiovascular phenotype. Identifiers: MedGen CN230736.
DK1-congenital disorder of glycosylation. Also called: CDG Im; DK1 DEFICIENCY; DOLICHOL KINASE DEFICIENCY; DK1-CDG; CONGENITAL DISORDER OF GLYCOSYLATION, TYPE Im; Carbohydrate deficient glycoprotein syndrome type 1m. Identifiers: Orphanet 91131, MedGen C1835849, MONDO:0012556, OMIM 610768.

Allele frequency attached by ClinVar (database versions not stated): gnomAD 0.00001; gnomAD exomes 0.00002; TOPMed 0.00002.
gnomAD v4.1: 31 of 1,614,076 alleles (0.0019%); highest among the groups gnomAD compares: Non-Finnish European, 0.0026%; no homozygotes.

Submissions (4):

Women's Health and Genetics/Laboratory Corporation of America, LabCorp
Classification: Uncertain significance. Last evaluated: 2023-06-23. Review status: criteria provided, single submitter. Criteria: LabCorp Variant Classification Summary - May 2015. Collection method: clinical testing. Allele origin: germline.
Comment: Variant summary: DOLK c.1178C>T (p.Ser393Phe) results in a non-conservative amino acid change in the encoded protein sequence. Three of five in-silico tools predict a benign effect of the variant on protein function. The variant was absent in 251414 control chromosomes. The available data on variant occurrences in the general population are insufficient to allow any conclusion about variant significance. To our knowledge, no occurrence of c.1178C>T in individuals affected with Cardiomyopathy and no experimental evidence demonstrating its impact on protein function have been reported. Three submitters have cited clinical-significance assessments for this variant to ClinVar after 2014. All submitters classified the variant as uncertain significance. Based on the evidence outlined above, the variant was classified as uncertain significance.

Ambry Genetics
Classification: Uncertain significance for Cardiovascular phenotype. Last evaluated: 2022-12-14. Review status: criteria provided, single submitter. Criteria: Ambry Variant Classification Scheme 2023. Collection method: clinical testing. Allele origin: germline.
Comment: The p.S393F variant (also known as c.1178C>T), located in coding exon 1 of the DOLK gene, results from a C to T substitution at nucleotide position 1178. The serine at codon 393 is replaced by phenylalanine, an amino acid with highly dissimilar properties. This amino acid position is not well conserved in available vertebrate species. In addition, the in silico prediction for this alteration is inconclusive. Since supporting evidence is limited at this time, the clinical significance of this alteration remains unclear.

Labcorp Genetics (formerly Invitae), Labcorp
Classification: Uncertain significance for DK1-congenital disorder of glycosylation. Last evaluated: 2022-09-13. Review status: criteria provided, single submitter. Criteria: Invitae Variant Classification Sherloc (09022015). Collection method: clinical testing. Allele origin: germline.
Comment: This sequence change replaces serine, which is neutral and polar, with phenylalanine, which is neutral and non-polar, at codon 393 of the DOLK protein (p.Ser393Phe). This variant is not present in population databases (gnomAD no frequency). This variant has not been reported in the literature in individuals affected with DOLK-related conditions. ClinVar contains an entry for this variant (Variation ID: 1044644). Advanced modeling of protein sequence and biophysical properties (such as structural, functional, and spatial information, amino acid conservation, physicochemical variation, residue mobility, and thermodynamic stability) has been performed at Invitae for this missense variant, however the output from this modeling did not meet the statistical confidence thresholds required to predict the impact of this variant on DOLK protein function. In summary, the available evidence is currently insufficient to determine the role of this variant in disease. Therefore, it has been classified as a Variant of Uncertain Significance.

Fulgent Genetics
Classification: Uncertain significance for DK1-congenital disorder of glycosylation. Last evaluated: 2021-10-22. Review status: criteria provided, single submitter. Criteria: ACMG Guidelines, 2015. Collection method: clinical testing. Allele origin: unknown.

NM_014908.4(DOLK):c.1178C>T (p.Ser393Phe)

Gene: DOLK (dolichol kinase; minus strand). Cytogenetic location: 9q34.11.
Variant type: single nucleotide variant.
Coding change: c.1178C>T on transcript NM_014908.4 (MANE Select); coding-DNA position 1178, C replaced by T.
Protein change: p.Ser393Phe; replaces serine 393 with phenylalanine.
Molecular consequence: missense variant.
Genome position (GRCh38, 1-based): chr9:128,946,126, G>A on the plus strand (C>T on the coding strand, the complement: DOLK is on the minus strand). VCF-style: chr9-128946126-G-A. GRCh37 (hg19) VCF-style: chr9-131708405-G-A.
Other names: short protein forms S393F.
Identifiers: ClinVar variation 1044644 (VCV001044644.11), dbSNP rs982668501, ClinGen allele CA200444546.